The following is an entry in ClinVar:

NM_001384609.1(SLITRK5):c.2760G>A (p.Pro920=)

Gene: SLITRK5 (SLIT and NTRK like family member 5; plus strand). Cytogenetic location: 13q31.2.
Variant type: single nucleotide variant.
Coding change: c.2760G>A on transcript NM_001384609.1 (MANE Select); coding-DNA position 2760, G replaced by A.
Protein change: p.Pro920=; no amino-acid change (proline 920 retained).
Molecular consequence: synonymous variant.
Genome position (GRCh38, 1-based): chr13:87,678,148, G>A. VCF-style: chr13-87678148-G-A. GRCh37 (hg19) VCF-style: chr13-88330403-G-A.
Other names: c.2760G>A, p.Pro920= (NM_001384610.1, NM_015567.2).
Identifiers: ClinVar variation 3057648 (VCV003057648.2), dbSNP rs111721826, ClinGen allele CA7015973.
Genomic context (GRCh38, chr13:87,678,148, plus strand): 5'-GTATTTGCACCCGGGGGCAGGGGACAGCAGGCTACGGGAACCGGTGCTCTACAGCCCCCC[G>A]AGTGCTGTCTTTGTAGAACCCAACCGGAACGAATATCTGGAGTTAAAAGCAAAACTAAAC-3'
Protein context (NP_001371538.1, residues 910-930): RLREPVLYSP[Pro920=]SAVFVEPNRN

ClinVar aggregate classification (germline): Likely benign (0 of 4 stars; one submission).

Conditions:
SLITRK5-related disorder. Also called: SLITRK5-related condition.

Allele frequency attached by ClinVar (database versions not stated): gnomAD exomes 0.00005; ExAC 0.00015; ESP Exome Variant Server 0.00046; TOPMed 0.00061; gnomAD 0.00063; 1000 Genomes Project 30x 0.00078; 1000 Genomes Project 0.00080.
gnomAD v4.1: 178 of 1,614,232 alleles (0.011%); highest among the groups gnomAD compares: African/African-American, 0.21%; 1 homozygote.

Submission:

PreventionGenetics, part of Exact Sciences
Classification: Likely benign for SLITRK5-related condition. Last evaluated: 2019-04-11. Review status: no assertion criteria provided. Collection method: clinical testing. Allele origin: germline.
Comment: This variant is classified as likely benign based on ACMG/AMP sequence variant interpretation guidelines (Richards et al. 2015 PMID: 25741868, with internal and published modifications).